The following is an entry in ClinVar:

NM_005251.3(FOXC2):c.500G>C (p.Arg167Pro)

Gene: FOXC2 (forkhead box C2; plus strand). Cytogenetic location: 16q24.1.
Variant type: single nucleotide variant.
Coding change: c.500G>C on transcript NM_005251.3 (MANE Select); coding-DNA position 500, G replaced by C.
Protein change: p.Arg167Pro; replaces arginine 167 with proline.
Molecular consequence: missense variant.
Genome position (GRCh38, 1-based): chr16:86,567,835, G>C. VCF-style: chr16-86567835-G-C. GRCh37 (hg19) VCF-style: chr16-86601441-G-C.
Other names: short protein forms R167P.
Identifiers: ClinVar variation 3364954 (VCV003364954.1).

ClinVar aggregate classification (germline): Uncertain significance (1 of 4 stars; one submission).

Submission:

GeneDx
Classification: Uncertain significance. Last evaluated: 2023-11-30. Review status: criteria provided, single submitter. Criteria: GeneDx Variant Classification Process June 2021. Collection method: clinical testing. Allele origin: germline. Affected: yes.
Comment: Not observed at significant frequency in large population cohorts (gnomAD); In silico analysis supports that this missense variant has a deleterious effect on protein structure/function; Has not been previously published as pathogenic or benign to our knowledge